The following is an entry in ClinVar:

NM_004663.5(RAB11A):c.160C>T (p.Gln54Ter)

Gene: RAB11A (RAB11A, member RAS oncogene family; plus strand). Cytogenetic location: 15q22.31.
Variant type: single nucleotide variant.
Coding change: c.160C>T on transcript NM_004663.5 (MANE Select); coding-DNA position 160, C replaced by T.
Protein change: p.Gln54Ter; replaces glutamine 54 with a stop codon.
Molecular consequence: nonsense.
Genome position (GRCh38, 1-based): chr15:65,877,451, C>T. VCF-style: chr15-65877451-C-T. GRCh37 (hg19) VCF-style: chr15-66169789-C-T.
Other names: c.160C>T, p.Gln54Ter (NM_001206836.2); short protein forms Q54*.
Identifiers: ClinVar variation 3361627 (VCV003361627.1).
Genomic context (GRCh38, chr15:65,877,451, plus strand): 5'-AATGAGTTTAATCTGGAAAGCAAGAGCACCATTGGAGTAGAGTTTGCAACAAGAAGCATC[C>T]AGGTTGATGGAAAAACAATAAAGGCACAGATATGGGACACAGCAGGGCAAGAGCGATATC-3'

ClinVar aggregate classification (germline): Uncertain significance (1 of 4 stars; one submission).

Submission:

GeneDx
Classification: Uncertain significance. Last evaluated: 2023-07-31. Review status: criteria provided, single submitter. Criteria: GeneDx Variant Classification Process June 2021. Collection method: clinical testing. Allele origin: germline. Affected: yes.
Comment: Not observed at significant frequency in large population cohorts (gnomAD); Nonsense variant predicted to result in protein truncation or nonsense-mediated decay in a gene for which loss of function is not an established mechanism of disease; Has not been previously published as pathogenic or benign to our knowledge